The following is an entry in ClinVar:

NM_002230.4(JUP):c.1910G>T (p.Arg637Leu)

Gene: JUP (junction plakoglobin; minus strand). Cytogenetic location: 17q21.2.
Variant type: single nucleotide variant.
Coding change: c.1910G>T on transcript NM_002230.4 (MANE Select); coding-DNA position 1910, G replaced by T.
Protein change: p.Arg637Leu; replaces arginine 637 with leucine.
Molecular consequence: missense variant.
Genome position (GRCh38, 1-based): chr17:41,757,648, C>A on the plus strand (G>T on the coding strand, the complement: JUP is on the minus strand). VCF-style: chr17-41757648-C-A. GRCh37 (hg19) VCF-style: chr17-39913900-C-A.
Other names: c.1910G>T, p.Arg637Leu (NM_001352773.2, NM_001352774.2, NM_001352775.2 and 3 more transcripts); short protein forms R637L.
Identifiers: ClinVar variation 2147576 (VCV002147576.8), dbSNP rs142095597, ClinGen allele CA399492127.

ClinVar aggregate classification (germline): Uncertain significance. Review status: criteria provided, multiple submitters, no conflicts (2 of 4 stars). 3 submissions from 3 submitters: Uncertain significance (3). Last evaluated 2024-08-04.

Conditions:
Cardiovascular phenotype. Identifiers: MedGen CN230736.
Arrhythmogenic right ventricular dysplasia 12. Also called: ARRHYTHMOGENIC RIGHT VENTRICULAR DYSPLASIA, FAMILIAL, 12. Identifiers: MedGen C1969081, MONDO:0012684, OMIM 611528.
Naxos disease (NXD). Also called: KERATOSIS PALMOPLANTARIS WITH ARRHYTHMOGENIC CARDIOMYOPATHY; MAL DE NAXOS; CARDIOMYOPATHY, ARRHYTHMOGENIC RIGHT VENTRICULAR, WITH SKIN, HAIR, AND NAIL ABNORMALITIES; PALMOPLANTAR KERATODERMA WITH ARRHYTHMOGENIC RIGHT VENTRICULAR CARDIOMYOPATHY AND WOOLLY HAIR; WOOLLY HAIR, PALMOPLANTAR KERATODERMA, AND CARDIAC ABNORMALITIES. Identifiers: Orphanet 34217, MedGen C1832600, MONDO:0011017, OMIM 601214.

gnomAD v4.1: 8 of 1,613,418 alleles (0.0005%); highest among the groups gnomAD compares: East Asian, 0.0022%; no homozygotes.

Submissions (3):

Labcorp Genetics (formerly Invitae), Labcorp
Classification: Uncertain significance for Arrhythmogenic right ventricular dysplasia 12; Naxos disease. Last evaluated: 2024-08-04. Review status: criteria provided, single submitter. Criteria: Invitae Variant Classification Sherloc (09022015). Collection method: clinical testing. Allele origin: germline.
Comment: This sequence change replaces arginine, which is basic and polar, with leucine, which is neutral and non-polar, at codon 637 of the JUP protein (p.Arg637Leu). The frequency data for this variant in the population databases is considered unreliable, as metrics indicate poor data quality at this position in the gnomAD database. This variant has not been reported in the literature in individuals affected with JUP-related conditions. ClinVar contains an entry for this variant (Variation ID: 2147576). An algorithm developed to predict the effect of missense changes on protein structure and function (PolyPhen-2) suggests that this variant is likely to be tolerated. In summary, the available evidence is currently insufficient to determine the role of this variant in disease. Therefore, it has been classified as a Variant of Uncertain Significance.

Ambry Genetics
Classification: Uncertain significance for Cardiovascular phenotype. Last evaluated: 2023-06-15. Review status: criteria provided, single submitter. Criteria: Ambry Variant Classification Scheme 2023. Collection method: clinical testing. Allele origin: germline.
Comment: The p.R637L variant (also known as c.1910G>T), located in coding exon 10 of the JUP gene, results from a G to T substitution at nucleotide position 1910. The arginine at codon 637 is replaced by leucine, an amino acid with dissimilar properties. This amino acid position is not well conserved in available vertebrate species. In addition, this alteration is predicted to be tolerated by in silico analysis. Since supporting evidence is limited at this time, the clinical significance of this alteration remains unclear.

Victorian Clinical Genetics Services, Murdoch Childrens Research Institute
Classification: Uncertain significance for Arrhythmogenic right ventricular dysplasia 12. Last evaluated: 2020-07-02. Review status: criteria provided, single submitter. Criteria: ACMG Guidelines, 2015. Collection method: clinical testing. Allele origin: germline.
Comment: Based on the classification scheme VCGS_Germline_v1.3.3, this variant is classified as 3B-VUS. Following criteria are met: 0102 - Loss of function is a known mechanism of disease in this gene and is associated with arrhythmogenic right ventricular dysplasia and Naxos disease. (I) 0108 - This gene is associated with both recessive and dominant disease. arrhythmogenic right ventricular dysplasia is caused by dominant mutations, whereas Naxos disease is caused by recessively inherited mutations with additional cutaneous phenotypes (PMID: 16722579). (I) 0200 - Variant is predicted to result in a missense amino acid change from arginine to leucine. (I) 0251 - This variant is heterozygous. (I) 0302 - Variant is present in gnomAD (v3) <0.001 for a dominant condition (1 heterozygote, 0 homozygotes). (SP) 0309 - Alternative amino acid changes at the same position has been observed in gnomAD (v3). p.Arg637His - 41 heterozygotes, 0 homozygotes, p.Arg637Cys - 8 heterozygotes, 0 homozygotes. (I) 0502 - Missense variant with conflicting in silico predictions and uninformative conservation. (I) 0600 - Variant is located in the annotated armadillo repeat 12 domain (NCBI). (I) 0710 - Other missense variants comparable to the one identified in this case have inconclusive previous evidence for pathogenicity. An alternative change to histidine has previously been classified as VUS and likely benign (ClinVar, PMID: 30847666), whereas the alternative change to cysteine has been reported as VUS (ClinVar). (I) 0807 - This variant has no previous evidence of pathogenicity. (I) 0905 - No published segregation evidence has been identified for this variant. (I) 1007 - No published functional evidence has been identified for this variant. (I) 1208 - Inheritance information for this variant is not currently available in this individual. (I) Legend: (SP) - Supporting pathogenic, (I) - Information, (SB) - Supporting benign

Literature cited by the submitters: PubMed 16722579 (cited by Victorian Clinical Genetics Services, Murdoch Childrens Research Institute); PubMed 30847666 (cited by Victorian Clinical Genetics Services, Murdoch Childrens Research Institute).